The following is an entry in ClinVar:

NM_006302.3(MOGS):c.1513C>T (p.Gln505Ter)

Gene: MOGS (mannosyl-oligosaccharide glucosidase; minus strand). Cytogenetic location: 2p13.1.
Variant type: single nucleotide variant.
Coding change: c.1513C>T on transcript NM_006302.3 (MANE Select); coding-DNA position 1513, C replaced by T.
Protein change: p.Gln505Ter; replaces glutamine 505 with a stop codon.
Molecular consequence: nonsense.
Genome position (GRCh38, 1-based): chr2:74,462,276, G>A on the plus strand (C>T on the coding strand, the complement: MOGS is on the minus strand). VCF-style: chr2-74462276-G-A. GRCh37 (hg19) VCF-style: chr2-74689403-G-A.
Other names: c.1195C>T, p.Gln399Ter (NM_001146158.2); short protein forms Q399*, Q505*.
Identifiers: ClinVar variation 1943297 (VCV001943297.6), dbSNP rs1671936359, ClinGen allele CA347372039.
Genomic context (GRCh38, chr2:74,462,276, plus strand): 5'-CCTCTAGCATATGGGCTACAGGCAAAAGTAGGGTTGGGGGGTTGGCGTGGACTGCTCGTT[G>A]TACTAGGAATTCTGGAGGCACCCGGGCTCGGGCCTCATCCCCCAGTATCTGCTCCCTCCC-3'

ClinVar aggregate classification (germline): Pathogenic/Likely pathogenic. Review status: criteria provided, multiple submitters, no conflicts (2 of 4 stars). 2 submissions from 2 submitters: Pathogenic (1); Likely pathogenic (1). Last evaluated 2026-07-02.

Conditions:
MOGS-congenital disorder of glycosylation. Also called: CDG IIb; GLUCOSIDASE I DEFICIENCY; CDG 2B; MOGS-CDG. Identifiers: Orphanet 79330, MedGen C1853736, MONDO:0011629, OMIM 606056.
Fetal anomalies with a likely genetic cause.

Allele frequency attached by ClinVar (database versions not stated): gnomAD exomes below 0.00001; TOPMed below 0.00001.
gnomAD v4.1: 1 of 1,613,922 alleles (0.000062%); highest among the groups gnomAD compares: Non-Finnish European, 0.000085%; no homozygotes.

Submissions (2):

Genetics Laboratory, Great Ormond Street Hospital NHS Foundation Trust, North Thames Genomic Laboratory Hub
Classification: Likely pathogenic for Fetal anomalies with a likely genetic cause. Last evaluated: 2026-07-02. Review status: criteria provided, single submitter. Criteria: ACGS Best Practice Guidelines for Variant Classification in Rare Disease 2024 v1.2. Collection method: clinical testing. Allele origin: germline. Affected: yes.
Comment: PM2_moderate, PVS1_strong

Labcorp Genetics (formerly Invitae), Labcorp
Classification: Pathogenic for MOGS-congenital disorder of glycosylation. Last evaluated: 2022-03-16. Review status: criteria provided, single submitter. Criteria: Invitae Variant Classification Sherloc (09022015). Collection method: clinical testing. Allele origin: germline.
Comment: This variant disrupts a region of the MOGS protein in which other variant(s) (p.Arg535*) have been determined to be pathogenic (PMID: 29235540, 33261925). This suggests that this is a clinically significant region of the protein, and that variants that disrupt it are likely to be disease-causing. For these reasons, this variant has been classified as Pathogenic. This variant is not present in population databases (gnomAD no frequency). This variant has not been reported in the literature in individuals affected with MOGS-related conditions. This sequence change creates a premature translational stop signal (p.Gln505*) in the MOGS gene. While this is not anticipated to result in nonsense mediated decay, it is expected to disrupt the last 333 amino acid(s) of the MOGS protein.

Literature cited by the submitters: PubMed 29235540 (cited by Labcorp Genetics (formerly Invitae), Labcorp); PubMed 33261925 (cited by Labcorp Genetics (formerly Invitae), Labcorp).